The following is an entry in ClinVar:

NM_001854.4(COL11A1):c.2556G>A (p.Lys852=)

Gene: COL11A1 (collagen type XI alpha 1 chain; minus strand). Cytogenetic location: 1p21.1.
Variant type: single nucleotide variant.
Coding change: c.2556G>A on transcript NM_001854.4 (MANE Select); coding-DNA position 2556, G replaced by A.
Protein change: p.Lys852=; no amino-acid change (lysine 852 retained).
Molecular consequence: synonymous variant. On other transcripts: non-coding transcript variant (1).
Genome position (GRCh38, 1-based): chr1:102,984,138, C>T on the plus strand (G>A on the coding strand, the complement: COL11A1 is on the minus strand). VCF-style: chr1-102984138-C-T. GRCh37 (hg19) VCF-style: chr1-103449694-C-T.
Other names: c.2439G>A, p.Lys813= (NM_001190709.2); c.2592G>A, p.Lys864= (NM_080629.3); c.2208G>A, p.Lys736= (NM_080630.4).
Identifiers: ClinVar variation 4779142 (VCV004779142.1).
Genomic context (GRCh38, chr1:102,984,138, plus strand): 5'-TAAGTGATTAATATTATCTTCACGAAATGTTAATAAACTATAAATATCAAGCTGTTTTAC[C>T]TTTGGACCTTGTCTTCCTGGATATCCTGGTAATCCTGGAACTCCAAGTTTTCCCTACAGT-3'
Protein context (NP_001845.3, residues 842-862): LPGYPGRQGP[Lys852=]GSTGFPGFPG

ClinVar aggregate classification (germline): Uncertain significance (1 of 4 stars; one submission).

Submission:

Labcorp Genetics (formerly Invitae), Labcorp
Classification: Uncertain significance. Last evaluated: 2025-02-26. Review status: criteria provided, single submitter. Criteria: Invitae Variant Classification Sherloc (09022015). Collection method: clinical testing. Allele origin: germline.
Comment: This sequence change affects codon 852 of the COL11A1 mRNA. It is a 'silent' change, meaning that it does not change the encoded amino acid sequence of the COL11A1 protein. This variant also falls at the last nucleotide of exon 31, which is part of the consensus splice site for this exon. This variant is not present in population databases (gnomAD no frequency). This variant has not been reported in the literature in individuals affected with COL11A1-related conditions. Variants that disrupt the consensus splice site are a relatively common cause of aberrant splicing (PMID: 17576681, 9536098). Algorithms developed to predict the effect of sequence changes on RNA splicing suggest that this variant may disrupt the consensus splice site. In summary, the available evidence is currently insufficient to determine the role of this variant in disease. Therefore, it has been classified as a Variant of Uncertain Significance.

Literature cited by the submitters: PubMed 17576681; PubMed 9536098.